The following is an entry in ClinVar:

ClinVar aggregate classification (germline): Likely pathogenic. Review status: criteria provided, single submitter (1 of 4 stars). 2 submissions from 2 submitters: Likely pathogenic (1). 1 of the submissions does not count toward it. Last evaluated 2025-09-02.

Conditions:
HEMOGLOBIN ZENGCHENG.
beta Thalassemia (BTHAL). Also called: Cooley's anemia; Erythroblastic anemia; Mediterranean anemia. Identifiers: Orphanet 848, MedGen C0005283, MONDO:0019402. Disease mechanism: loss of function.

Allele frequency attached by ClinVar (database versions not stated): gnomAD exomes 0.00001 and below 0.00001; ExAC 0.00002; TOPMed below 0.00001.
gnomAD v4.1: 6 of 1,614,070 alleles (0.00037%); highest among the groups gnomAD compares: East Asian, 0.013%; no homozygotes.

Submissions (2):

Natera, Inc.
Classification: Likely pathogenic for Beta thalassemia. Last evaluated: 2025-09-02. Review status: criteria provided, single submitter. Criteria: Natera Variant Classification Schema (03/2026). Collection method: clinical testing. Allele origin: germline.
Comment: The c.343C>A variant in HBB is a missense variant predicted to cause substitution of leucine to methionine at amino acid 115. This variant is rare in the general population with a frequency below the threshold expected for the associated phenotype(s). This variant has been observed in one or more individuals affected with the associated recessive disease, as either homozygous or compound heterozygous with a second variant (PMID: 38649152). A different variant at the same position has been determined to be Pathogenic or Likely Pathogenic. Multiple computational prediction algorithms suggest this variant is unlikely to affect gene or protein function. Given the available evidence, this variant is classified as Likely Pathogenic.

OMIM
Classification: other for HEMOGLOBIN ZENGCHENG. Last evaluated: 2017-12-12. Review status: no assertion criteria provided. Collection method: literature only. Allele origin: germline. Not counted in ClinVar's aggregate classification.

Literature cited by the submitters: PubMed 38649152 (cited by Natera, Inc.); PubMed 2283296 (cited by OMIM).

NM_000518.5(HBB):c.343C>A (p.Leu115Met)

Genes: HBB (hemoglobin subunit beta; minus strand), LOC107133510 (origin of replication at HBB; plus strand), LOC110006319 (beta-globin gene 3' regulatory region; plus strand). Cytogenetic location: 11p15.4.
Variant type: single nucleotide variant.
Coding change: c.343C>A on transcript NM_000518.5 (MANE Select); coding-DNA position 343, C replaced by A.
Protein change: p.Leu115Met; replaces leucine 115 with methionine.
Molecular consequence: missense variant.
Genome position (GRCh38, 1-based): chr11:5,225,699, G>T on the plus strand (C>A on the coding strand, the complement: HBB is on the minus strand). VCF-style: chr11-5225699-G-T. GRCh37 (hg19) VCF-style: chr11-5246929-G-T.
Other names: L114M; short protein forms L115M.
Identifiers: ClinVar variation 15486 (VCV000015486.3), dbSNP rs33917394, ClinGen allele CA125343.